The following is an entry in ClinVar:

NM_015355.4(SUZ12):c.-35C>T

Gene: SUZ12 (SUZ12 polycomb repressive complex 2 subunit; plus strand). Cytogenetic location: 17q11.2.
Variant type: single nucleotide variant.
Coding change: c.-35C>T on transcript NM_015355.4 (MANE Select); 35 bases upstream of the start codon, C replaced by T.
Molecular consequence: 5 prime UTR variant.
Genome position (GRCh38, 1-based): chr17:31,937,212, C>T. VCF-style: chr17-31937212-C-T. GRCh37 (hg19) VCF-style: chr17-30264231-C-T.
Other names: c.-35C>T (NM_001321207.2).
Identifiers: ClinVar variation 4178014 (VCV004178014.1).

ClinVar aggregate classification (germline): Uncertain significance (1 of 4 stars; one submission).

Conditions:
Inborn genetic diseases. Identifiers: MedGen C0950123, MeSH D030342.

Submission:

Ambry Genetics
Classification: Uncertain significance for Inborn genetic diseases. Last evaluated: 2025-08-22. Review status: criteria provided, single submitter. Criteria: Ambry Variant Classification Scheme 2023. Collection method: clinical testing. Allele origin: germline.
Comment: The c.-35C>T alteration is located in the 5' untranslated region (5' UTR) of the SUZ12 gene. This alteration consists of a C to T substitution 35 nucleotides upstream from the first translated codon. This variant was not reported in population-based cohorts in the Genome Aggregation Database (gnomAD). This nucleotide position is highly conserved in available vertebrate species. In silico splice site analysis predicts that this alteration will result in the creation or strengthening of a novel splice donor site. Based on insufficient or conflicting evidence, the clinical significance of this alteration remains unclear.